The following is an entry in ClinVar:

ClinVar aggregate classification (germline): Uncertain significance (1 of 4 stars; one submission).

Allele frequency attached by ClinVar (database versions not stated): gnomAD exomes below 0.00001.
gnomAD v4.1: 1 of 1,597,470 alleles (0.000063%); highest among the groups gnomAD compares: South Asian, 0.0011%; no homozygotes.

Submission:

Labcorp Genetics (formerly Invitae), Labcorp
Classification: Uncertain significance. Last evaluated: 2021-12-02. Review status: criteria provided, single submitter. Criteria: Invitae Variant Classification Sherloc (09022015). Collection method: clinical testing. Allele origin: germline.
Comment: This missense change has been observed in individual(s) with retinitis pigmentosa (Invitae). This sequence change replaces phenylalanine, which is neutral and non-polar, with leucine, which is neutral and non-polar, at codon 15 of the IMPG1 protein (p.Phe15Leu). This variant is present in population databases (no rsID available, gnomAD 0.003%). Algorithms developed to predict the effect of missense changes on protein structure and function output the following: SIFT: "Tolerated"; PolyPhen-2: "Benign"; Align-GVGD: "Class C0". The leucine amino acid residue is found in multiple mammalian species, which suggests that this missense change does not adversely affect protein function. In summary, the available evidence is currently insufficient to determine the role of this variant in disease. Therefore, it has been classified as a Variant of Uncertain Significance.

NM_001563.4(IMPG1):c.43T>C (p.Phe15Leu)

Gene: IMPG1 (interphotoreceptor matrix proteoglycan 1; minus strand). Cytogenetic location: 6q14.1.
Variant type: single nucleotide variant.
Coding change: c.43T>C on transcript NM_001563.4 (MANE Select); coding-DNA position 43, T replaced by C.
Protein change: p.Phe15Leu; replaces phenylalanine 15 with leucine.
Molecular consequence: missense variant.
Genome position (GRCh38, 1-based): chr6:76,072,446, A>G on the plus strand (T>C on the coding strand, the complement: IMPG1 is on the minus strand). VCF-style: chr6-76072446-A-G. GRCh37 (hg19) VCF-style: chr6-76782163-A-G.
Other names: c.43T>C, p.Phe15Leu (NM_001282368.2); short protein forms F15L.
Identifiers: ClinVar variation 2018633 (VCV002018633.4), dbSNP rs1213897302, ClinGen allele CA364830724.